The following is an entry in ClinVar:

NM_006086.4(TUBB3):c.394G>A (p.Gly132Ser)

Gene: TUBB3 (tubulin beta 3 class III; plus strand). Cytogenetic location: 16q24.3.
Variant type: single nucleotide variant.
Coding change: c.394G>A on transcript NM_006086.4 (MANE Select); coding-DNA position 394, G replaced by A.
Protein change: p.Gly132Ser; replaces glycine 132 with serine.
Molecular consequence: missense variant.
Genome position (GRCh38, 1-based): chr16:89,934,845, G>A. VCF-style: chr16-89934845-G-A. GRCh37 (hg19) VCF-style: chr16-90001253-G-A.
Other names: c.178G>A, p.Gly60Ser (NM_001197181.2); short protein forms G132S, G60S.
Identifiers: ClinVar variation 4082749 (VCV004082749.2).
Genomic context (GRCh38, chr16:89,934,845, plus strand): 5'-CTGGTGGATTCGGTCCTGGATGTGGTGCGGAAGGAGTGTGAAAACTGCGACTGCCTGCAG[G>A]GCTTCCAGCTGACCCACTCGCTGGGGGGCGGCACGGGCTCCGGCATGGGCACGTTGCTCA-3'
Protein context (NP_006077.2, residues 122-142): KECENCDCLQ[Gly132Ser]FQLTHSLGGG

ClinVar aggregate classification (germline): Uncertain significance. Review status: criteria provided, multiple submitters, no conflicts (2 of 4 stars). 2 submissions from 2 submitters: Uncertain significance (2). Last evaluated 2025-03-06.

Submissions (2):

GeneDx
Classification: Uncertain significance. Last evaluated: 2025-03-06. Review status: criteria provided, single submitter. Criteria: GeneDx Variant Classification Process June 2021. Collection method: clinical testing. Allele origin: germline. Affected: yes.
Comment: Not observed at significant frequency in large population cohorts (gnomAD); Missense variants in this gene are a common cause of disease and they are underrepresented in the general population; In silico analysis supports that this missense variant has a deleterious effect on protein structure/function; Has not been previously published as pathogenic or benign to our knowledge

Blueprint Genetics
Classification: Uncertain significance. Last evaluated: 2024-11-20. Review status: criteria provided, single submitter. Criteria: ACMG Guidelines, 2015. Collection method: clinical testing. Allele origin: germline.